The following is an entry in ClinVar:

ClinVar aggregate classification (germline): Uncertain significance. Review status: criteria provided, multiple submitters, no conflicts (2 of 4 stars). 2 submissions from 2 submitters: Uncertain significance (2). Last evaluated 2024-10-13.

Conditions:
Hereditary cancer-predisposing syndrome. Also called: Neoplastic Syndromes, Hereditary; Tumor predisposition; Hereditary neoplastic syndrome; Hereditary Cancer Syndrome. Identifiers: Orphanet 140162, MedGen C0027672, MeSH D009386, MONDO:0015356.

Allele frequency attached by ClinVar (database versions not stated): gnomAD exomes below 0.00001.
gnomAD v4.1: 3 of 1,612,458 alleles (0.00019%); highest among the groups gnomAD compares: South Asian, 0.0033%; no homozygotes.

Submissions (2):

Ambry Genetics
Classification: Uncertain significance for Hereditary cancer-predisposing syndrome. Last evaluated: 2024-10-13. Review status: criteria provided, single submitter. Criteria: Ambry Variant Classification Scheme 2023. Collection method: clinical testing. Allele origin: germline.
Comment: The p.Y244H variant (also known as c.730T>C), located in coding exon 5 of the RAD50 gene, results from a T to C substitution at nucleotide position 730. The tyrosine at codon 244 is replaced by histidine, an amino acid with similar properties. This amino acid position is conserved. In addition, this alteration is predicted to be tolerated by in silico analysis. Based on the available evidence, the clinical significance of this variant remains unclear.

Labcorp Genetics (formerly Invitae), Labcorp
Classification: Uncertain significance for Hereditary cancer-predisposing syndrome. Last evaluated: 2019-04-04. Review status: criteria provided, single submitter. Criteria: Invitae Variant Classification Sherloc (09022015). Collection method: clinical testing. Allele origin: germline.
Comment: In summary, the available evidence is currently insufficient to determine the role of this variant in disease. Therefore, it has been classified as a Variant of Uncertain Significance. Algorithms developed to predict the effect of missense changes on protein structure and function are either unavailable or do not agree on the potential impact of this missense change (SIFT: "Tolerated"; PolyPhen-2: "Possibly Damaging"; Align-GVGD: "Class C0"). This variant has not been reported in the literature in individuals with RAD50-related conditions. This variant is not present in population databases (ExAC no frequency). This sequence change replaces tyrosine with histidine at codon 244 of the RAD50 protein (p.Tyr244His). The tyrosine residue is moderately conserved and there is a moderate physicochemical difference between tyrosine and histidine.

NM_005732.4(RAD50):c.730T>C (p.Tyr244His)

Gene: RAD50 (RAD50 double strand break repair protein; plus strand). Cytogenetic location: 5q31.1.
Variant type: single nucleotide variant.
Coding change: c.730T>C on transcript NM_005732.4 (MANE Select); coding-DNA position 730, T replaced by C.
Protein change: p.Tyr244His; replaces tyrosine 244 with histidine.
Molecular consequence: missense variant.
Genome position (GRCh38, 1-based): chr5:132,580,040, T>C. VCF-style: chr5-132580040-T-C. GRCh37 (hg19) VCF-style: chr5-131915732-T-C.
Other names: short protein forms Y244H.
Identifiers: ClinVar variation 840764 (VCV000840764.11), dbSNP rs1750478776, ClinGen allele CA360937203.